The following is an entry in ClinVar:

ClinVar aggregate classification (germline): Uncertain significance (1 of 4 stars; one submission).

gnomAD v4.1: 6 of 1,614,034 alleles (0.00037%); highest among the groups gnomAD compares: Non-Finnish European, 0.00051%; no homozygotes.

Submission:

Women's Health and Genetics/Laboratory Corporation of America, LabCorp
Classification: Uncertain significance. Last evaluated: 2024-07-03. Review status: criteria provided, single submitter. Criteria: LabCorp Variant Classification Summary - May 2015. Collection method: clinical testing. Allele origin: germline.
Comment: Variant summary: RAG1 c.2971C>G (p.Leu991Val) results in a conservative amino acid change in the encoded protein sequence. Three of five in-silico tools predict a damaging effect of the variant on protein function. The variant was absent in 250230 control chromosomes. c.2971C>G has been reported in the literature in a homozygous individuals affected with Severe Combined Immunodeficiency (Ruan_2022). These data indicate that the variant may be associated with disease. To our knowledge, no experimental evidence demonstrating an impact on protein function has been reported. The following publication have been ascertained in the context of this evaluation (PMID: 35157248). No submitters have cited clinical-significance assessments for this variant to ClinVar. Based on the evidence outlined above, the variant was classified as VUS-possibly pathogenic.

Literature cited by the submitters: PubMed 35157248.

NM_000448.3(RAG1):c.2971C>G (p.Leu991Val)

Gene: RAG1 (recombination activating 1; plus strand). Cytogenetic location: 11p12.
Variant type: single nucleotide variant.
Coding change: c.2971C>G on transcript NM_000448.3 (MANE Select); coding-DNA position 2971, C replaced by G.
Protein change: p.Leu991Val; replaces leucine 991 with valine.
Molecular consequence: missense variant.
Genome position (GRCh38, 1-based): chr11:36,576,275, C>G. VCF-style: chr11-36576275-C-G. GRCh37 (hg19) VCF-style: chr11-36597825-C-G.
Other names: c.2971C>G, p.Leu991Val (NM_001377277.1, NM_001377278.1, NM_001377279.1 and 1 more transcripts); short protein forms L991V.
Identifiers: ClinVar variation 3339143 (VCV003339143.1).